The following is an entry in ClinVar:

ClinVar aggregate classification (germline): Uncertain significance. Review status: criteria provided, multiple submitters, no conflicts (2 of 4 stars). 2 submissions from 2 submitters: Uncertain significance (2). Last evaluated 2026-08-22.

Conditions:
Familial thoracic aortic aneurysm and aortic dissection (TAAD). Also called: Thoracic aortic aneurysms and dissections. Identifiers: Orphanet 91387, MedGen C4707243, MONDO:0019625.

Submissions (2):

Ambry Genetics
Classification: Uncertain significance for Familial thoracic aortic aneurysm and aortic dissection. Last evaluated: 2026-08-22. Review status: criteria provided, single submitter. Criteria: Ambry Variant Classification Scheme 2023. Collection method: clinical testing. Allele origin: germline.
Comment: The p.Q24R variant (also known as c.71A>G), located in coding exon 1 of the FBN2 gene, results from an A to G substitution at nucleotide position 71. The glutamine at codon 24 is replaced by arginine, an amino acid with highly similar properties. This amino acid position is conserved. In addition, this alteration is predicted to be tolerated by in silico analysis. Based on the available evidence, the clinical significance of this variant remains unclear.

GeneDx
Classification: Uncertain significance. Last evaluated: 2017-01-13. Review status: criteria provided, single submitter. Criteria: GeneDx Variant Classification (06012015). Collection method: clinical testing. Allele origin: germline. Affected: yes.
Comment: A variant of uncertain significance has been identified in the FBN2 gene. The Q24R variant has not been published as a pathogenic variant, nor has it been reported as a benign variant to our knowledge. This variant was not observed in approximately 6,400 individuals of European and African American ancestry in the NHLBI Exome Sequencing Project, indicating it is not a common benign variant in these populations. The Q24R variant is a semi-conservative amino acid substitution, which may impact secondary protein structure as these residues differ in some properties. However, this substitution occurs at a position that is only conserved in mammals and where arginine is the wild type in the armadillo. Furthermore, in silico analysis predicts this variant likely does not alter the protein structure/function. Finally, the Q24R variant does not affect a Cysteine residue within a calcium-binding EGF-like domain of the FBN2 gene. Cysteine substitutions in the calcium-binding EGF-like domains represent the majority of pathogenic missense changes associated with CCA (Collod-Beroud et al., 2003; FrÃ©dÃ©ric et al., 2009).

NM_001999.4(FBN2):c.71A>G (p.Gln24Arg)

Gene: FBN2 (fibrillin 2; minus strand). Cytogenetic location: 5q23.3.
Variant type: single nucleotide variant.
Coding change: c.71A>G on transcript NM_001999.4 (MANE Select); coding-DNA position 71, A replaced by G.
Protein change: p.Gln24Arg; replaces glutamine 24 with arginine.
Molecular consequence: missense variant.
Genome position (GRCh38, 1-based): chr5:128,537,533, T>C on the plus strand (A>G on the coding strand, the complement: FBN2 is on the minus strand). VCF-style: chr5-128537533-T-C. GRCh37 (hg19) VCF-style: chr5-127873226-T-C.
Other names: short protein forms Q24R.
Identifiers: ClinVar variation 392694 (VCV000392694.3), dbSNP rs764396688, ClinGen allele CA16604804.